The following is an entry in ClinVar:

ClinVar aggregate classification (germline): Conflicting classifications of pathogenicity. Review status: criteria provided, conflicting classifications (1 of 4 stars). 2 submissions from 2 submitters: Uncertain significance (1); Likely benign (1). Last evaluated 2025-07-17.

Conditions:
Hereditary cancer-predisposing syndrome. Also called: Neoplastic Syndromes, Hereditary; Hereditary Cancer Syndrome; Hereditary neoplastic syndrome; Tumor predisposition. Identifiers: Orphanet 140162, MedGen C0027672, MeSH D009386, MONDO:0015356.
Neuroblastoma, susceptibility to, 3. Also called: ALK-Related Neuroblastic Tumor Susceptibility. Identifiers: Orphanet 635, MedGen C2751681, MONDO:0013083, OMIM 613014.

Submissions (2):

Ambry Genetics
Classification: Likely benign for Hereditary cancer-predisposing syndrome. Last evaluated: 2025-07-17. Review status: criteria provided, single submitter. Criteria: Ambry Variant Classification Scheme 2023. Collection method: clinical testing. Allele origin: germline.

Labcorp Genetics (formerly Invitae), Labcorp
Classification: Uncertain significance for Neuroblastoma, susceptibility to, 3. Last evaluated: 2023-05-04. Review status: criteria provided, single submitter. Criteria: Invitae Variant Classification Sherloc (09022015). Collection method: clinical testing. Allele origin: germline.
Comment: In summary, the available evidence is currently insufficient to determine the role of this variant in disease. Therefore, it has been classified as a Variant of Uncertain Significance. An algorithm developed to predict the effect of missense changes on protein structure and function (PolyPhen-2) suggests that this variant is likely to be disruptive. This variant has not been reported in the literature in individuals affected with ALK-related conditions. This variant is not present in population databases (gnomAD no frequency). This sequence change replaces histidine, which is basic and polar, with glutamine, which is neutral and polar, at codon 354 of the ALK protein (p.His354Gln).

NM_004304.5(ALK):c.1062C>A (p.His354Gln)

Gene: ALK (ALK receptor tyrosine kinase; minus strand). Cytogenetic location: 2p23.2.
Variant type: single nucleotide variant.
Coding change: c.1062C>A on transcript NM_004304.5 (MANE Select); coding-DNA position 1062, C replaced by A.
Protein change: p.His354Gln; replaces histidine 354 with glutamine.
Molecular consequence: missense variant.
Genome position (GRCh38, 1-based): chr2:29,532,007, G>T on the plus strand (C>A on the coding strand, the complement: ALK is on the minus strand). VCF-style: chr2-29532007-G-T. GRCh37 (hg19) VCF-style: chr2-29754873-G-T.
Other names: c.1062C>A (NM_004304.4); short protein forms H354Q.
Identifiers: ClinVar variation 2816646 (VCV002816646.4), dbSNP rs749474186, ClinGen allele CA346587355.